The following is an entry in ClinVar:

ClinVar aggregate classification (germline): Uncertain significance (1 of 4 stars; one submission).

Conditions:
Inborn genetic diseases. Identifiers: MedGen C0950123, MeSH D030342.

Allele frequency attached by ClinVar (database versions not stated): gnomAD 0.00001.
gnomAD v4.1: 37 of 1,612,168 alleles (0.0023%); highest among the groups gnomAD compares: South Asian, 0.038%; 1 homozygote.

Submission:

Ambry Genetics
Classification: Uncertain significance for Inborn genetic diseases. Last evaluated: 2022-02-08. Review status: criteria provided, single submitter. Criteria: Ambry Variant Classification Scheme 2023. Collection method: clinical testing. Allele origin: germline.
Comment: The p.L613V variant (also known as c.1837C>G), located in coding exon 16 of the DST gene, results from a C to G substitution at nucleotide position 1837. The leucine at codon 613 is replaced by valine, an amino acid with highly similar properties. This amino acid position is well conserved in available vertebrate species; however, valine is the reference amino acid in other vertebrate species. In addition, the in silico prediction for this alteration is inconclusive. Since supporting evidence is limited at this time, the clinical significance of this alteration remains unclear.

NM_001374736.1(DST):c.1936C>G (p.Leu646Val)

Gene: DST (dystonin; minus strand). Cytogenetic location: 6p12.1.
Variant type: single nucleotide variant.
Coding change: c.1936C>G on transcript NM_001374736.1 (MANE Select); coding-DNA position 1936, C replaced by G.
Protein change: p.Leu646Val; replaces leucine 646 with valine.
Molecular consequence: missense variant.
Genome position (GRCh38, 1-based): chr6:56,642,038, G>C on the plus strand (C>G on the coding strand, the complement: DST is on the minus strand). VCF-style: chr6-56642038-G-C. GRCh37 (hg19) VCF-style: chr6-56506836-G-C.
Other names: c.1837C>G, p.Leu613Val (NM_001144769.5); c.1423C>G, p.Leu475Val (NM_001144770.2); c.1936C>G, p.Leu646Val (NM_001374722.1); c.1303C>G, p.Leu435Val (NM_001374729.1, NM_001374730.1, NM_001386100.1 and 1 more transcripts); c.1963C>G, p.Leu655Val (NM_001374734.1); c.325C>G, p.Leu109Val (NM_001723.7, NM_015548.5); short protein forms L109V, L613V, L655V, L435V, L646V, L475V.
Identifiers: ClinVar variation 1781060 (VCV001781060.2), dbSNP rs777458626, ClinGen allele CA3871529.